The following is an entry in ClinVar:

NM_000321.3(RB1):c.1027del (p.Leu343fs)

Gene: RB1 (RB transcriptional corepressor 1; plus strand). Cytogenetic location: 13q14.2.
Variant type: Deletion.
Coding change: c.1027del on transcript NM_000321.3 (MANE Select); coding-DNA position 1027, one base deleted (C; older notation c.1027delC).
Protein change: p.Leu343fs; shifts the reading frame from leucine 343.
Molecular consequence: frameshift variant.
Genome position (GRCh38, 1-based): chr13:48,367,581, C deleted. VCF-style (leftmost placement, unchanged base first): chr13-48367580-TC-T. GRCh37 (hg19) VCF-style: chr13-48941716-TC-T.
Other names: c.1027delC (NM_000321.2); short protein forms L343fs.
Identifiers: ClinVar variation 428694 (VCV000428694.3), dbSNP rs1131690873, ClinGen allele CA645369540.
Genomic context (GRCh38, chr13:48,367,580, plus strand): 5'-AGAAATTTATCTTAAAAATAAAGATCTAGATGCAAGATTATTTTTGGATCATGATAAAAC[TC>T]TTCAGACTGATTCTATAGACAGGTATTGCACATGGTATATTTGATTGATTTGCTTTAGAT-3'

ClinVar aggregate classification (germline): Pathogenic (1 of 4 stars; one submission).

Conditions:
Hereditary cancer-predisposing syndrome. Also called: Hereditary Cancer Syndrome; Neoplastic Syndromes, Hereditary; Hereditary neoplastic syndrome; Tumor predisposition. Identifiers: Orphanet 140162, MedGen C0027672, MeSH D009386, MONDO:0015356.

Submission:

Ambry Genetics
Classification: Pathogenic for Hereditary cancer-predisposing syndrome. Last evaluated: 2014-05-16. Review status: criteria provided, single submitter. Criteria: Ambry Autosomal Dominant and X-Linked criteria (10/2015). Collection method: clinical testing. Allele origin: germline. Observed: 1 variant allele.
Comment: The c.1027delC variant, located in coding exon 10 of the RB1 gene, results from a deletion of one nucleotide at nucleotide position 1027, causing a translational frameshift with a predicted alternate stop codon. Since frameshifts are typically deleterious in nature, this alteration is interpreted as a disease-causing mutation (ACMG Recommendations for Standards for Interpretation and Reporting of Sequence Variations. Revision 2007. Genet Med. 2008;10:294).